The following is an entry in ClinVar:

ClinVar aggregate classification (germline): Uncertain significance. Review status: criteria provided, multiple submitters, no conflicts (2 of 4 stars). 3 submissions from 3 submitters: Uncertain significance (3). Last evaluated 2025-04-01.

Conditions:
Hereditary cancer-predisposing syndrome. Also called: Neoplastic Syndromes, Hereditary; Hereditary neoplastic syndrome; Hereditary Cancer Syndrome; Tumor predisposition. Identifiers: Orphanet 140162, MedGen C0027672, MeSH D009386, MONDO:0015356.
Neuroblastoma, susceptibility to, 3. Also called: ALK-Related Neuroblastic Tumor Susceptibility. Identifiers: Orphanet 635, MedGen C2751681, MONDO:0013083, OMIM 613014.

Allele frequency attached by ClinVar (database versions not stated): gnomAD exomes below 0.00001.
gnomAD v4.1: 1 of 1,613,910 alleles (0.000062%); highest among the groups gnomAD compares: Non-Finnish European, 0.000085%; no homozygotes.

Submissions (3):

Ambry Genetics
Classification: Uncertain significance for Hereditary cancer-predisposing syndrome. Last evaluated: 2025-04-01. Review status: criteria provided, single submitter. Criteria: Ambry Variant Classification Scheme 2023. Collection method: clinical testing. Allele origin: germline.
Comment: The p.Q1367K variant (also known as c.4099C>A), located in coding exon 28 of the ALK gene, results from a C to A substitution at nucleotide position 4099. The glutamine at codon 1367 is replaced by lysine, an amino acid with similar properties. This amino acid position is highly conserved in available vertebrate species. In addition, the in silico prediction for this alteration is inconclusive. Since supporting evidence is limited at this time, the clinical significance of this alteration remains unclear.

Labcorp Genetics (formerly Invitae), Labcorp
Classification: Uncertain significance for Neuroblastoma, susceptibility to, 3. Last evaluated: 2023-06-06. Review status: criteria provided, single submitter. Criteria: Invitae Variant Classification Sherloc (09022015). Collection method: clinical testing. Allele origin: germline.
Comment: In summary, the available evidence is currently insufficient to determine the role of this variant in disease. Therefore, it has been classified as a Variant of Uncertain Significance. An algorithm developed to predict the effect of missense changes on protein structure and function (PolyPhen-2) suggests that this variant is likely to be disruptive. ClinVar contains an entry for this variant (Variation ID: 943907). This variant has not been reported in the literature in individuals affected with ALK-related conditions. This variant is not present in population databases (gnomAD no frequency). This sequence change replaces glutamine, which is neutral and polar, with lysine, which is basic and polar, at codon 1367 of the ALK protein (p.Gln1367Lys).

Sema4
Classification: Uncertain significance for Hereditary cancer-predisposing syndrome. Last evaluated: 2021-07-06. Review status: criteria provided, single submitter. Criteria: Sema4 Curation Guidelines. Collection method: curation. Allele origin: germline.
Comment: The ALK c.4099C>A (p.Q1367K) variant has not been reported in the literature to our knowledge. It was not observed in the large and broad cohorts of the Genome Aggregation Database (PMID: 32461654). This variant has been reported in ClinVar (Variation ID: 943907). Functional studies have not been performed, and in silico predictions of the variant's effect on protein function are inconclusive. The evidence is insufficient to meet ACMG/AMP criteria for classifying the variant as benign or pathogenic. Thus, the clinical significance of this variant is currently uncertain.

NM_004304.5(ALK):c.4099C>A (p.Gln1367Lys)

Gene: ALK (ALK receptor tyrosine kinase; minus strand). Cytogenetic location: 2p23.2.
Variant type: single nucleotide variant.
Coding change: c.4099C>A on transcript NM_004304.5 (MANE Select); coding-DNA position 4099, C replaced by A.
Protein change: p.Gln1367Lys; replaces glutamine 1367 with lysine.
Molecular consequence: missense variant.
Genome position (GRCh38, 1-based): chr2:29,196,835, G>T on the plus strand (C>A on the coding strand, the complement: ALK is on the minus strand). VCF-style: chr2-29196835-G-T. GRCh37 (hg19) VCF-style: chr2-29419701-G-T.
Other names: c.895C>A, p.Gln299Lys (NM_001353765.2); short protein forms Q1367K, Q299K.
Identifiers: ClinVar variation 943907 (VCV000943907.14), dbSNP rs1669035172, ClinGen allele CA346465291.